The following is an entry in ClinVar:

NM_000377.3(WAS):c.756G>A (p.Trp252Ter)

Gene: WAS (WASP actin nucleation promoting factor; plus strand). Cytogenetic location: Xp11.23.
Variant type: single nucleotide variant.
Coding change: c.756G>A on transcript NM_000377.3 (MANE Select); coding-DNA position 756, G replaced by A.
Protein change: p.Trp252Ter; replaces tryptophan 252 with a stop codon.
Molecular consequence: nonsense.
Genome position (GRCh38, 1-based): chrX:48,688,075, G>A. VCF-style: chrX-48688075-G-A. GRCh37 (hg19) VCF-style: chrX-48546464-G-A.
Other names: c.756G>A, p.Trp252Ter (NM_001438878.1, NM_001438879.1, NM_001438876.1 and 1 more transcripts); short protein forms W252*.
Identifiers: ClinVar variation 4783871 (VCV004783871.1).

ClinVar aggregate classification (germline): Pathogenic (1 of 4 stars; one submission).

Conditions:
Thrombocytopenia 1. Also called: X-linked thrombocytopenia with normal platelets; X-Linked Thrombocytopenia (XLT); THROMBOCYTOPENIA, X-LINKED, 1. Identifiers: Orphanet 268322, Orphanet 852, MedGen C1839163, MONDO:0010743, OMIM 313900.
Wiskott-Aldrich syndrome (WAS). Also called: ALDRICH SYNDROME; IMMUNODEFICIENCY 2; WISKOTT-ALDRICH SYNDROME 1; Wiskott-aldrich syndrome, somatic. Identifiers: Orphanet 906, MedGen C0043194, MONDO:0010518, OMIM 301000.
X-linked severe congenital neutropenia (SCNX). Identifiers: Orphanet 86788, MedGen C1845987, MONDO:0010294, OMIM 300299.

Submission:

Labcorp Genetics (formerly Invitae), Labcorp
Classification: Pathogenic for Wiskott-Aldrich syndrome; X-linked severe congenital neutropenia; Thrombocytopenia 1. Last evaluated: 2025-11-21. Review status: criteria provided, single submitter. Criteria: Invitae Variant Classification Sherloc (09022015). Collection method: clinical testing. Allele origin: germline.
Comment: This sequence change creates a premature translational stop signal (p.Trp252*) in the WAS gene. It is expected to result in an absent or disrupted protein product. Loss-of-function variants in WAS are known to be pathogenic (PMID: 15284122). This variant is not present in population databases (gnomAD no frequency). This premature translational stop signal has been observed in individual(s) with Wiskott-Aldrich syndrome (PMID: 16787874). In at least one individual the variant was observed to be de novo. For these reasons, this variant has been classified as Pathogenic.

Literature cited by the submitters: PubMed 15284122; PubMed 16787874.